The following is an entry in ClinVar:

NM_025114.4(CEP290):c.619C>T (p.Gln207Ter)

Gene: CEP290 (centrosomal protein 290; minus strand). Cytogenetic location: 12q21.32.
Variant type: single nucleotide variant.
Coding change: c.619C>T on transcript NM_025114.4 (MANE Select); coding-DNA position 619, C replaced by T.
Protein change: p.Gln207Ter; replaces glutamine 207 with a stop codon.
Molecular consequence: nonsense.
Genome position (GRCh38, 1-based): chr12:88,130,318, G>A on the plus strand (C>T on the coding strand, the complement: CEP290 is on the minus strand). VCF-style: chr12-88130318-G-A. GRCh37 (hg19) VCF-style: chr12-88524095-G-A.
Other names: short protein forms Q207*.
Identifiers: ClinVar variation 3241088 (VCV003241088.2), dbSNP rs2501499274.

ClinVar aggregate classification (germline): Pathogenic/Likely pathogenic. Review status: criteria provided, multiple submitters, no conflicts (2 of 4 stars). 2 submissions from 2 submitters: Pathogenic (1); Likely pathogenic (1). Last evaluated 2024-06-02.

Conditions:
CEP290-related ciliopathy. Also called: CEP290 ciliopathy. Identifiers: MedGen CN305601, MONDO:0100451.
Bardet-Biedl syndrome 14 (BBS14). Identifiers: Orphanet 110, MedGen C2673874, MONDO:0014442, OMIM 615991.

Allele frequency attached by ClinVar (database versions not stated): gnomAD exomes below 0.00001.
gnomAD v4.1: 2 of 1,607,244 alleles (0.00012%); highest among the groups gnomAD compares: Non-Finnish European, 0.00017%; no homozygotes.

Submissions (2):

Myriad Genetics, Inc.
Classification: Pathogenic for CEP290-related ciliopathy. Last evaluated: 2024-06-02. Review status: criteria provided, single submitter. Criteria: Myriad Autosomal Dominant, Autosomal Recessive and X-Linked Classification Criteria (2023). Collection method: clinical testing. Allele origin: unknown.
Comment: NM_025114.3(CEP290):c.619C>T(Q207*) is expected to be pathogenic in the context of CEP290-related disorders. This variant is predicted to lead to an abnormal or absent protein product due to the creation of a premature termination codon in CEP290, a gene where loss-of-function variants are known to be pathogenic. Please note: this variant was assessed in the context of healthy population screening.

Baylor Genetics
Classification: Likely pathogenic for Bardet-Biedl syndrome 14. Last evaluated: 2024-03-18. Review status: criteria provided, single submitter. Criteria: ACMG Guidelines, 2015. Collection method: clinical testing. Allele origin: unknown.